The following is an entry in ClinVar:

ClinVar aggregate classification (germline): Uncertain significance (1 of 4 stars; one submission).

Allele frequency attached by ClinVar (database versions not stated): gnomAD exomes 0.00002 and 0.00005; ExAC 0.00006; gnomAD 0.00017 and 0.00020; TOPMed 0.00019; ESP Exome Variant Server 0.00038.
gnomAD v4.1: 54 of 1,613,864 alleles (0.0033%); highest among the groups gnomAD compares: African/African-American, 0.068%; no homozygotes.

Submission:

Labcorp Genetics (formerly Invitae), Labcorp
Classification: Uncertain significance. Last evaluated: 2025-11-01. Review status: criteria provided, single submitter. Criteria: Invitae Variant Classification Sherloc (09022015). Collection method: clinical testing. Allele origin: germline.
Comment: This sequence change replaces threonine, which is neutral and polar, with alanine, which is neutral and non-polar, at codon 436 of the KIF20A protein (p.Thr436Ala). This variant is present in population databases (rs201009097, gnomAD 0.06%), and has an allele count higher than expected for a pathogenic variant. This variant has not been reported in the literature in individuals affected with KIF20A-related conditions. ClinVar contains an entry for this variant (Variation ID: 1476490). An algorithm developed to predict the effect of missense changes on protein structure and function (PolyPhen-2) suggests that this variant is likely to be disruptive. In summary, the available evidence is currently insufficient to determine the role of this variant in disease. Therefore, it has been classified as a Variant of Uncertain Significance.

NM_005733.3(KIF20A):c.1306A>G (p.Thr436Ala)

Gene: KIF20A (kinesin family member 20A; plus strand). Cytogenetic location: 5q31.2.
Variant type: single nucleotide variant.
Coding change: c.1306A>G on transcript NM_005733.3 (MANE Select); coding-DNA position 1306, A replaced by G.
Protein change: p.Thr436Ala; replaces threonine 436 with alanine.
Molecular consequence: missense variant.
Genome position (GRCh38, 1-based): chr5:138,184,059, A>G. VCF-style: chr5-138184059-A-G. GRCh37 (hg19) VCF-style: chr5-137519748-A-G.
Other names: short protein forms T436A.
Identifiers: ClinVar variation 1476490 (VCV001476490.8), dbSNP rs201009097, ClinGen allele CA3426566.